The following is an entry in ClinVar:

NM_002470.4(MYH3):c.4717A>G (p.Ile1573Val)

Gene: MYH3 (myosin heavy chain 3; minus strand). Cytogenetic location: 17p13.1.
Variant type: single nucleotide variant.
Coding change: c.4717A>G on transcript NM_002470.4 (MANE Select); coding-DNA position 4717, A replaced by G.
Protein change: p.Ile1573Val; replaces isoleucine 1573 with valine.
Molecular consequence: missense variant.
Genome position (GRCh38, 1-based): chr17:10,632,715, T>C on the plus strand (A>G on the coding strand, the complement: MYH3 is on the minus strand). VCF-style: chr17-10632715-T-C. GRCh37 (hg19) VCF-style: chr17-10536032-T-C.
Other names: short protein forms I1573V.
Identifiers: ClinVar variation 2778947 (VCV002778947.3), dbSNP rs2074176724, ClinGen allele CA398137822.
Genomic context (GRCh38, chr17:10,632,715, plus strand): 5'-TCTGGTAGTTCCTCTTCAGCTGCTCGATCTCTTCATCCTTCTCGGCGATCTTTCTATCAA[T>C]TTCTGATTTCACTTGTGTCAATTCAAGCTGGATTCGGAGGATCTTGGCTTCTTCATGCTC-3'
Protein context (NP_002461.2, residues 1563-1583): QLELTQVKSE[Ile1573Val]DRKIAEKDEE

ClinVar aggregate classification (germline): Uncertain significance (1 of 4 stars; one submission).

Submission:

Labcorp Genetics (formerly Invitae), Labcorp
Classification: Uncertain significance. Last evaluated: 2025-12-13. Review status: criteria provided, single submitter. Criteria: Invitae Variant Classification Sherloc (09022015). Collection method: clinical testing. Allele origin: germline.
Comment: This sequence change replaces isoleucine, which is neutral and non-polar, with valine, which is neutral and non-polar, at codon 1573 of the MYH3 protein (p.Ile1573Val). This variant is not present in population databases (gnomAD no frequency). This variant has not been reported in the literature in individuals affected with MYH3-related conditions. ClinVar contains an entry for this variant (Variation ID: 2778947). Invitae Evidence Modeling of protein sequence and biophysical properties (such as structural, functional, and spatial information, amino acid conservation, physicochemical variation, residue mobility, and thermodynamic stability) indicates that this missense variant is not expected to disrupt MYH3 protein function with a negative predictive value of 95%. In summary, the available evidence is currently insufficient to determine the role of this variant in disease. Therefore, it has been classified as a Variant of Uncertain Significance.